The following is an entry in ClinVar:

ClinVar aggregate classification (germline): Likely benign. Review status: criteria provided, multiple submitters, no conflicts (2 of 4 stars). 2 submissions from 2 submitters: Likely benign (2). Last evaluated 2024-08-30.

Conditions:
Fanconi anemia complementation group J. Also called: BRIP1-Related Fanconi Anemia. Identifiers: Orphanet 84, MedGen C1836860, MONDO:0012187, OMIM 609054.
Familial cancer of breast. Also called: hereditary breast carcinoma; BREAST CANCER, FAMILIAL; Hereditary breast cancer. Identifiers: Orphanet 227535, MedGen C0346153, MONDO:0016419, OMIM 114480. Disease mechanism: loss of function.

Allele frequency attached by ClinVar (database versions not stated): gnomAD exomes below 0.00001.
gnomAD v4.1: 1 of 1,613,072 alleles (0.000062%); highest among the groups gnomAD compares: Non-Finnish European, 0.000085%; no homozygotes.

Submissions (2):

Myriad Genetics, Inc.
Classification: Likely benign for Familial cancer of breast. Last evaluated: 2024-08-30. Review status: criteria provided, single submitter. Criteria: Myriad Autosomal Dominant, Autosomal Recessive and X-Linked Classification Criteria (2023). Collection method: clinical testing. Allele origin: unknown.
Comment: This variant is considered likely benign. This variant is intronic and is not expected to impact mRNA splicing.

Labcorp Genetics (formerly Invitae), Labcorp
Classification: Likely benign for Familial cancer of breast; Fanconi anemia complementation group J. Last evaluated: 2023-09-27. Review status: criteria provided, single submitter. Criteria: Invitae Variant Classification Sherloc (09022015). Collection method: clinical testing. Allele origin: germline.

NM_032043.3(BRIP1):c.1936-13A>T

Gene: BRIP1 (BRCA1 interacting DNA helicase 1; minus strand). Cytogenetic location: 17q23.2.
Variant type: single nucleotide variant.
Coding change: c.1936-13A>T on transcript NM_032043.3 (MANE Select); 13 bases into the intron before coding-DNA position 1936, A replaced by T.
Molecular consequence: intron variant.
Genome position (GRCh38, 1-based): chr17:61,776,575, T>A on the plus strand (A>T on the coding strand, the complement: BRIP1 is on the minus strand). VCF-style: chr17-61776575-T-A. GRCh37 (hg19) VCF-style: chr17-59853936-T-A.
Identifiers: ClinVar variation 1967637 (VCV001967637.6), dbSNP rs2544999978, ClinGen allele CA2580094480.